The following is an entry in ClinVar:

ClinVar aggregate classification (germline): Pathogenic (1 of 4 stars; one submission).

Conditions:
Alstrom syndrome (ALMS). Identifiers: Orphanet 64, MedGen C0268425, MONDO:0008763, OMIM 203800.

Submission:

Labcorp Genetics (formerly Invitae), Labcorp
Classification: Pathogenic for Alstrom syndrome. Last evaluated: 2025-12-12. Review status: criteria provided, single submitter. Criteria: Invitae Variant Classification Sherloc (09022015). Collection method: clinical testing. Allele origin: germline.
Comment: This sequence change creates a premature translational stop signal (p.Gln1395*) in the ALMS1 gene. It is expected to result in an absent or disrupted protein product. Loss-of-function variants in ALMS1 are known to be pathogenic (PMID: 17594715). Information on the frequency of this variant in the gnomAD database is not available, as this variant may be reported differently in the database. This variant has not been reported in the literature in individuals affected with ALMS1-related conditions. ClinVar contains an entry for this variant (Variation ID: 1366622). For these reasons, this variant has been classified as Pathogenic.

Literature cited by the submitters: PubMed 17594715.

NM_001378454.1(ALMS1):c.4179_4180inv (p.Gln1394Ter)

Gene: ALMS1 (ALMS1 centrosome and basal body associated protein; plus strand). Cytogenetic location: 2p13.1.
Variant type: Inversion.
Coding change: c.4179_4180inv on transcript NM_001378454.1 (MANE Select).
Protein change: p.Gln1394Ter; replaces glutamine 1394 with a stop codon.
Molecular consequence: nonsense.
Genome position: GRCh38 VCF-style: chr2-73450706-AC-GT. GRCh37 (hg19) VCF-style: chr2-73677833-AC-GT.
Other names: c.4182_4183inv, p.Gln1395Ter (NM_015120.4); short protein forms Q1394*, Q1395*.
Identifiers: ClinVar variation 1366622 (VCV001366622.5), ClinGen allele CA2573135778.
Genomic context (GRCh38, chr2:73,450,706, plus strand): 5'-ACCAACTGTAACCTCTACTTCTTACTCACAACATACAGAGAAGCCGAGTATTTTCTACCA[AC>GT]AGTCGTTGCCAGGTAGTCATCTAACTGAAGAGGCTAAGAACGTTTCAGCGGTTCCTGGAC-3'